The following is an entry in ClinVar:

ClinVar aggregate classification (germline): Uncertain significance (1 of 4 stars; one submission).

gnomAD v4.1: 2 of 1,601,146 alleles (0.00012%); highest among the groups gnomAD compares: African/African-American, 0.0027%; no homozygotes.

Submission:

Labcorp Genetics (formerly Invitae), Labcorp
Classification: Uncertain significance. Last evaluated: 2025-06-27. Review status: criteria provided, single submitter. Criteria: Invitae Variant Classification Sherloc (09022015). Collection method: clinical testing. Allele origin: germline.
Comment: This sequence change replaces glycine, which is neutral and non-polar, with valine, which is neutral and non-polar, at codon 789 of the ROBO1 protein (p.Gly789Val). This variant is not present in population databases (gnomAD no frequency). This variant has not been reported in the literature in individuals affected with ROBO1-related conditions. Invitae Evidence Modeling of protein sequence and biophysical properties (such as structural, functional, and spatial information, amino acid conservation, physicochemical variation, residue mobility, and thermodynamic stability) indicates that this missense variant is not expected to disrupt ROBO1 protein function with a negative predictive value of 95%. In summary, the available evidence is currently insufficient to determine the role of this variant in disease. Therefore, it has been classified as a Variant of Uncertain Significance.

NM_002941.4(ROBO1):c.2366G>T (p.Gly789Val)

Gene: ROBO1 (roundabout guidance receptor 1; minus strand). Cytogenetic location: 3p12.3.
Variant type: single nucleotide variant.
Coding change: c.2366G>T on transcript NM_002941.4 (MANE Select); coding-DNA position 2366, G replaced by T.
Protein change: p.Gly789Val; replaces glycine 789 with valine.
Molecular consequence: missense variant.
Genome position (GRCh38, 1-based): chr3:78,659,762, C>A on the plus strand (G>T on the coding strand, the complement: ROBO1 is on the minus strand). VCF-style: chr3-78659762-C-A. GRCh37 (hg19) VCF-style: chr3-78708912-C-A.
Other names: c.2258G>T, p.Gly753Val (NM_001145845.2, NM_133631.4); short protein forms G753V, G789V.
Identifiers: ClinVar variation 4699640 (VCV004699640.1).